The following is an entry in ClinVar:

ClinVar aggregate classification (germline): Likely benign. Review status: criteria provided, single submitter (1 of 4 stars). 2 submissions from 2 submitters: Likely benign (1). 1 of the submissions does not count toward it. Last evaluated 2024-11-18.

Conditions:
PLXNA2-related disorder. Also called: PLXNA2-related condition.

Allele frequency attached by ClinVar (database versions not stated): ExAC 0.00002; gnomAD 0.00003; gnomAD exomes 0.00004; TOPMed 0.00005.
gnomAD v4.1: 45 of 1,614,050 alleles (0.0028%); highest among the groups gnomAD compares: Admixed American, 0.0067%; no homozygotes.

Submissions (2):

Labcorp Genetics (formerly Invitae), Labcorp
Classification: Likely benign. Last evaluated: 2024-11-18. Review status: criteria provided, single submitter. Criteria: Invitae Variant Classification Sherloc (09022015). Collection method: clinical testing. Allele origin: germline.

PreventionGenetics, part of Exact Sciences
Classification: Likely benign for PLXNA2-related condition. Last evaluated: 2023-09-18. Review status: no assertion criteria provided. Collection method: clinical testing. Allele origin: germline. Not counted in ClinVar's aggregate classification.
Comment: This variant is classified as likely benign based on ACMG/AMP sequence variant interpretation guidelines (Richards et al. 2015 PMID: 25741868, with internal and published modifications).

NM_025179.4(PLXNA2):c.4458C>T (p.Ser1486=)

Gene: PLXNA2 (plexin A2; minus strand). Cytogenetic location: 1q32.2.
Variant type: single nucleotide variant.
Coding change: c.4458C>T on transcript NM_025179.4 (MANE Select); coding-DNA position 4458, C replaced by T.
Protein change: p.Ser1486=; no amino-acid change (serine 1486 retained).
Molecular consequence: synonymous variant.
Genome position (GRCh38, 1-based): chr1:208,039,663, G>A on the plus strand (C>T on the coding strand, the complement: PLXNA2 is on the minus strand). VCF-style: chr1-208039663-G-A. GRCh37 (hg19) VCF-style: chr1-208213008-G-A.
Other names: c.4458C>T (NM_025179.3).
Identifiers: ClinVar variation 1386973 (VCV001386973.9), dbSNP rs776958110, ClinGen allele CA1372881.